The following is an entry in ClinVar:

NM_000271.5(NPC1):c.2912-2A>C

Gene: NPC1 (NPC intracellular cholesterol transporter 1; minus strand). Cytogenetic location: 18q11.2.
Variant type: single nucleotide variant.
Coding change: c.2912-2A>C on transcript NM_000271.5 (MANE Select); the canonical splice acceptor site of the intron before coding-DNA position 2912, A replaced by C.
Molecular consequence: splice acceptor variant.
Genome position (GRCh38, 1-based): chr18:23,538,673, T>G on the plus strand (A>C on the coding strand, the complement: NPC1 is on the minus strand). VCF-style: chr18-23538673-T-G. GRCh37 (hg19) VCF-style: chr18-21118637-T-G.
Identifiers: ClinVar variation 471942 (VCV000471942.10), dbSNP rs1555632994, ClinGen allele CA401792353.
Genomic context (GRCh38, chr18:23,538,673, plus strand): 5'-AGGCCTCTGTTTGCCTTCCGGAGTCAGAGGCCTGCAGCGAACGCAGGCAGGGTCAACCAC[T>G]GGCGGAGACATGCAGGGAGGACTGTTAGAAGAATAGGTCTCCAGATTTTTTGTAAAACAT-3'

ClinVar aggregate classification (germline): Likely pathogenic. Review status: criteria provided, multiple submitters, no conflicts (2 of 4 stars). 2 submissions from 2 submitters: Likely pathogenic (2). Last evaluated 2025-10-30.

Conditions:
NPC1-related disorder. Also called: NPC1-related condition.
Niemann-Pick disease, type C1. Also called: NEUROVISCERAL STORAGE DISEASE WITH VERTICAL SUPRANUCLEAR OPHTHALMOPLEGIA; NIEMANN-PICK DISEASE WITH CHOLESTEROL ESTERIFICATION BLOCK; NIEMANN-PICK DISEASE WITHOUT SPHINGOMYELINASE DEFICIENCY; NIEMANN-PICK DISEASE, CHRONIC NEURONOPATHIC FORM; NIEMANN-PICK DISEASE, VARIANT TYPE C1. Identifiers: Orphanet 646, MedGen C3179455, MONDO:0009757, OMIM 257220.

Submissions (2):

PreventionGenetics, part of Exact Sciences
Classification: Likely pathogenic for NPC1-related condition. Last evaluated: 2025-10-30. Review status: criteria provided, single submitter. Criteria: ACMG Guidelines, 2015. Collection method: clinical testing. Allele origin: germline.
Comment: The NPC1 c.2912-2A>C variant is predicted to disrupt the AG splice acceptor site and interfere with normal splicing. To our knowledge this variant has not been reported in the literature or in a large population database (gnomAD), indicating this variant is rare. Variants that disrupt the consensus splice acceptor site in NPC1 are expected to be pathogenic. This variant is interpreted as likely pathogenic.

Labcorp Genetics (formerly Invitae), Labcorp
Classification: Likely pathogenic for Niemann-Pick disease, type C1. Last evaluated: 2020-06-15. Review status: criteria provided, single submitter. Criteria: Invitae Variant Classification Sherloc (09022015). Collection method: clinical testing. Allele origin: germline.
Comment: In summary, donor and acceptor splice site variants are typically loss-of-function (PMID: 16199547), and loss-of-function variants in NPC1 are known to be pathogenic. However, without additional functional and/or genetic data, this variant has been classified as Likely Pathogenic. While this particular variant has not been reported in the literature, loss-of-function variants in NPC1 are known to be pathogenic (PMID: 19252935). This sequence change affects an acceptor splice site in intron 19 of the NPC1 gene. It is expected to disrupt RNA splicing and likely results in an absent or disrupted protein product.

Literature cited by the submitters: PubMed 16199547 (cited by Labcorp Genetics (formerly Invitae), Labcorp); PubMed 19252935 (cited by Labcorp Genetics (formerly Invitae), Labcorp).